The following is an entry in ClinVar:

NM_004252.5(NHERF1):c.260G>T (p.Arg87Leu)

Genes: NHERF1 (NHERF family PDZ scaffold protein 1; plus strand), SLC9A3R1-AS1 (SLC9A3R1 antisense RNA 1; minus strand). Cytogenetic location: 17q25.1.
Variant type: single nucleotide variant.
Coding change: c.260G>T on transcript NM_004252.5 (MANE Select); coding-DNA position 260, G replaced by T.
Protein change: p.Arg87Leu; replaces arginine 87 with leucine.
Molecular consequence: missense variant. On other transcripts: non-coding transcript variant (1).
Genome position (GRCh38, 1-based): chr17:74,749,106, G>T. VCF-style: chr17-74749106-G-T. GRCh37 (hg19) VCF-style: chr17-72745245-G-T.
Other names: short protein forms R87L.
Identifiers: ClinVar variation 2648229 (VCV002648229.24), dbSNP rs959095474, ClinGen allele CA400936526.
Genomic context (GRCh38, chr17:74,749,106, plus strand): 5'-TGGAGAAGGAGACCCACCAGCAGGTGGTGAGCCGCATCCGCGCCGCACTCAACGCCGTGC[G>T]CCTGCTGGTGGTCGACCCCGAGACGGACGAGCAGCTGCAGAAGCTCGGCGTCCAGGTCCG-3'
Protein context (NP_004243.1, residues 77-97): SRIRAALNAV[Arg87Leu]LLVVDPETDE

ClinVar aggregate classification (germline): Uncertain significance (1 of 4 stars; one submission).

Submission:

CeGaT Center for Human Genetics Tuebingen
Classification: Uncertain significance. Last evaluated: 2022-12-01. Review status: criteria provided, single submitter. Criteria: CeGaT Center For Human Genetics Tuebingen Variant Classification Criteria Version 2. Collection method: clinical testing. Allele origin: germline. Affected: yes. Observed: 1 variant allele.
Comment: NHERF1: PM2